The following is an entry in ClinVar:

NM_001018111.3(PODXL):c.*8T>G

Gene: PODXL (podocalyxin like; minus strand). Cytogenetic location: 7q32.3.
Variant type: single nucleotide variant.
Coding change: c.*8T>G on transcript NM_001018111.3 (MANE Select); 8 bases downstream of the stop codon, T replaced by G.
Molecular consequence: 3 prime UTR variant.
Genome position (GRCh38, 1-based): chr7:131,504,303, A>C on the plus strand (T>G on the coding strand, the complement: PODXL is on the minus strand). VCF-style: chr7-131504303-A-C. GRCh37 (hg19) VCF-style: chr7-131189062-A-C.
Other names: c.*8T>G (NM_005397.4).
Identifiers: ClinVar variation 3033655 (VCV003033655.2), dbSNP rs1584805418, ClinGen allele CA2740094857.

ClinVar aggregate classification (germline): Likely benign (0 of 4 stars; one submission).

Conditions:
PODXL-related disorder. Also called: PODXL-related condition.

Submission:

PreventionGenetics, part of Exact Sciences
Classification: Likely benign for PODXL-related condition. Last evaluated: 2022-12-13. Review status: no assertion criteria provided. Collection method: clinical testing. Allele origin: germline.
Comment: This variant is classified as likely benign based on ACMG/AMP sequence variant interpretation guidelines (Richards et al. 2015 PMID: 25741868, with internal and published modifications).